The following is an entry in ClinVar:

NM_018249.6(CDK5RAP2):c.5631G>T (p.Arg1877Ser)

Gene: CDK5RAP2 (CDK5 regulatory subunit associated protein 2; minus strand). Cytogenetic location: 9q33.2.
Variant type: single nucleotide variant.
Coding change: c.5631G>T on transcript NM_018249.6 (MANE Select); coding-DNA position 5631, G replaced by T.
Protein change: p.Arg1877Ser; replaces arginine 1877 with serine.
Molecular consequence: missense variant. On other transcripts: non-coding transcript variant (5).
Genome position (GRCh38, 1-based): chr9:120,389,287, C>A on the plus strand (G>T on the coding strand, the complement: CDK5RAP2 is on the minus strand). VCF-style: chr9-120389287-C-A. GRCh37 (hg19) VCF-style: chr9-123151565-C-A.
Other names: c.5394G>T, p.Arg1798Ser (NM_001011649.3); c.4941G>T, p.Arg1647Ser (NM_001272039.2); c.5532G>T, p.Arg1844Ser (NM_001410992.1); c.5535G>T, p.Arg1845Ser (NM_001410993.1); c.5628G>T, p.Arg1876Ser (NM_001410994.1); short protein forms R1844S, R1845S, R1876S, R1647S, R1877S, R1798S.
Identifiers: ClinVar variation 4776371 (VCV004776371.1).

ClinVar aggregate classification (germline): Uncertain significance (1 of 4 stars; one submission).

gnomAD v4.1: 5 of 1,612,032 alleles (0.00031%); highest among the groups gnomAD compares: Non-Finnish European, 0.00042%; no homozygotes.

Submission:

Labcorp Genetics (formerly Invitae), Labcorp
Classification: Uncertain significance. Last evaluated: 2025-03-13. Review status: criteria provided, single submitter. Criteria: Invitae Variant Classification Sherloc (09022015). Collection method: clinical testing. Allele origin: germline.
Comment: This sequence change replaces arginine, which is basic and polar, with serine, which is neutral and polar, at codon 1877 of the CDK5RAP2 protein (p.Arg1877Ser). The frequency data for this variant in the population databases is considered unreliable, as metrics indicate poor data quality at this position in the gnomAD database. This variant has not been reported in the literature in individuals affected with CDK5RAP2-related conditions. An algorithm developed to predict the effect of missense changes on protein structure and function (PolyPhen-2) suggests that this variant is likely to be disruptive. In summary, the available evidence is currently insufficient to determine the role of this variant in disease. Therefore, it has been classified as a Variant of Uncertain Significance.